The following is an entry in ClinVar:

NC_000016.10:g.23641384A>C

Gene: PALB2 (partner and localizer of BRCA2; minus strand). Cytogenetic location: 16p12.2.
Variant type: single nucleotide variant.
Genome position: GRCh38 VCF-style: chr16-23641384-A-C. GRCh37 (hg19) VCF-style: chr16-23652705-A-C.
Other names: NM_024675.3:c.-227T>G.
Identifiers: ClinVar variation 126573 (VCV000126573.3), dbSNP rs515726055, ClinGen allele CA269469.
Genomic context (GRCh38, chr16:23,641,384, plus strand): 5'-AACTCCGGCCAATTAAATCCACCATTCGGCCTGCGCACGCGCAGCCGTAGACGGCCGAGC[A>C]GTGGAGCGAGGCCGCCTAAAGGAGAGCCGCGCTGTCGATGAGTCCCAGTGGGCCACCTGG-3'

ClinVar aggregate classification (germline): Likely benign (0 of 4 stars; one submission).

Conditions:
Familial cancer of breast. Also called: BREAST CANCER, FAMILIAL; hereditary breast carcinoma; Hereditary breast cancer. Identifiers: Orphanet 227535, MedGen C0346153, MONDO:0016419, OMIM 114480. Disease mechanism: loss of function.

Submission:

Leiden Open Variation Database
Classification: Likely benign for Familial cancer of breast. Last evaluated: 2019-05-13. Review status: no assertion criteria provided. Collection method: curation. Allele origin: germline. Affected: yes.
Comment: Curators: Marc Tischkowitz, Arleen D. Auerbach. Submitter to LOVD: Marc Tischkowitz.

Literature cited by the submitters: PubMed 22052327.